The following is an entry in ClinVar:

ClinVar aggregate classification (germline): Conflicting classifications of pathogenicity. Review status: criteria provided, conflicting classifications (1 of 4 stars). 8 submissions from 8 submitters: Uncertain significance (5); Likely benign (1). 2 of the submissions do not count toward it. Last evaluated 2025-10-11.

Conditions:
Cardiovascular phenotype. Identifiers: MedGen CN230736.
Cardiomyopathy (CMYO). Also called: Cardiomyopathies. Identifiers: Orphanet 167848, MedGen C0878544, MONDO:0004994, HP:0001638. Inheritance: Various modes of inheritance.
Catecholaminergic polymorphic ventricular tachycardia (CVPT). Also called: Catecholamine-induced polymorphic ventricular tachycardia. Identifiers: Orphanet 3286, MedGen C5574922, MONDO:0017990.
Catecholaminergic polymorphic ventricular tachycardia 1. Also called: RYR2-Related Catecholaminergic Polymorphic Ventricular Tachycardia; VENTRICULAR TACHYCARDIA, STRESS-INDUCED POLYMORPHIC 1; VENTRICULAR TACHYCARDIA, CATECHOLAMINERGIC POLYMORPHIC, 1, WITH OR WITHOUT ATRIAL DYSFUNCTION AND/OR DILATED CARDIOMYOPATHY. Identifiers: Orphanet 3286, MedGen C1631597, MONDO:0011484, OMIM 604772.

Allele frequency attached by ClinVar (database versions not stated): ExAC 0.00001; gnomAD 0.00002 and 0.00003; gnomAD exomes 0.00002; TOPMed 0.00003.
gnomAD v4.1: 43 of 1,611,248 alleles (0.0027%); highest among the groups gnomAD compares: African/African-American, 0.004%; no homozygotes.

Submissions (8):

Labcorp Genetics (formerly Invitae), Labcorp
Classification: Likely benign for Catecholaminergic polymorphic ventricular tachycardia 1. Last evaluated: 2025-10-11. Review status: criteria provided, single submitter. Criteria: Invitae Variant Classification Sherloc (09022015). Collection method: clinical testing. Allele origin: germline.

GeneDx
Classification: Uncertain significance. Last evaluated: 2025-06-24. Review status: criteria provided, single submitter. Criteria: GeneDx Variant Classification Process June 2021. Collection method: clinical testing. Allele origin: germline. Affected: yes.
Comment: Has not been previously published as pathogenic or benign to our knowledge; In silico analysis suggests that this missense variant does not alter protein structure/function; Not located in one of the three hot-spot regions of the RYR2 gene, where the majority of pathogenic missense variants occur (PMID: 19926015); This variant is associated with the following publications: (PMID: 19926015)

Molecular Diagnostic Laboratory for Inherited Cardiovascular Disease, Montreal Heart Institute
Classification: Uncertain significance for Cardiovascular phenotype. Last evaluated: 2025-04-09. Review status: criteria provided, single submitter. Criteria: ACMG Guidelines, 2015. Collection method: clinical testing. Allele origin: germline. Affected: yes.
Comment: PM2;PP2

All of Us Research Program, National Institutes of Health
Classification: Uncertain significance for Catecholaminergic polymorphic ventricular tachycardia. Last evaluated: 2024-05-14. Review status: criteria provided, single submitter. Criteria: ACMG Guidelines, 2015. Collection method: clinical testing. Allele origin: germline. Inheritance: Autosomal dominant inheritance. Observed: 6 variant alleles, 6 heterozygotes.
Comment: This missense variant replaces arginine with histidine at codon 1383 of the RYR2 protein. Computational prediction suggests that this variant may not impact protein structure and function (internally defined REVEL score threshold <= 0.5, PMID: 27666373). To our knowledge, functional studies have not been reported for this variant. This variant has not been reported in individuals affected with RYR2-related disorders in the literature. This variant has been identified in 6/276718 chromosomes in the general population by the Genome Aggregation Database (gnomAD). The available evidence is insufficient to determine the role of this variant in disease conclusively. Therefore, this variant is classified as a Variant of Uncertain Significance.

This study involves interpretation of variants in research participants for the purpose of population health screening. Participant phenotype was not available at the time of variant classification. Additional details can be found in publication PMID: 35346344, PMCID: PMC8962531

Color Diagnostics, LLC DBA Color Health
Classification: Uncertain significance for Cardiomyopathy. Last evaluated: 2024-04-17. Review status: criteria provided, single submitter. Criteria: ACMG Guidelines, 2015. Collection method: clinical testing. Allele origin: germline.
Comment: This missense variant replaces arginine with histidine at codon 1383 of the RYR2 protein. Computational prediction suggests that this variant may not impact protein structure and function. To our knowledge, functional studies have not been reported for this variant. This variant has not been reported in individuals affected with RYR2-related disorders in the literature. This variant has been identified in 6/276718 chromosomes in the general population by the Genome Aggregation Database (gnomAD). The available evidence is insufficient to determine the role of this variant in disease conclusively. Therefore, this variant is classified as a Variant of Uncertain Significance.

Ambry Genetics
Classification: Uncertain significance for Cardiovascular phenotype. Last evaluated: 2023-09-13. Review status: criteria provided, single submitter. Criteria: Ambry Variant Classification Scheme 2023. Collection method: clinical testing. Allele origin: germline.
Comment: The p.R1383H variant (also known as c.4148G>A), located in coding exon 31 of the RYR2 gene, results from a G to A substitution at nucleotide position 4148. The arginine at codon 1383 is replaced by histidine, an amino acid with highly similar properties. This amino acid position is well conserved in available vertebrate species. In addition, the in silico prediction for this alteration is inconclusive. Since supporting evidence is limited at this time, the clinical significance of this alteration remains unclear.

Clinical Genetics, Academic Medical Center
Classification: Uncertain significance. Review status: no assertion criteria provided. Collection method: clinical testing. Allele origin: germline. Affected: yes. Study: VKGL Data-share Consensus. Not counted in ClinVar's aggregate classification.

Diagnostic Laboratory, Department of Genetics, University Medical Center Groningen
Classification: Uncertain significance. Review status: no assertion criteria provided. Collection method: clinical testing. Allele origin: germline. Affected: yes. Study: VKGL Data-share Consensus. Not counted in ClinVar's aggregate classification.

NM_001035.3(RYR2):c.4148G>A (p.Arg1383His)

Genes: RYR2 (ryanodine receptor 2; plus strand), LOC126806067 (BRD4-independent group 4 enhancer GRCh37_chr1:237753258-237754457; plus strand). Cytogenetic location: 1q43.
Variant type: single nucleotide variant.
Coding change: c.4148G>A on transcript NM_001035.3 (MANE Select); coding-DNA position 4148, G replaced by A.
Protein change: p.Arg1383His; replaces arginine 1383 with histidine.
Molecular consequence: missense variant.
Genome position (GRCh38, 1-based): chr1:237,590,980, G>A. VCF-style: chr1-237590980-G-A. GRCh37 (hg19) VCF-style: chr1-237754280-G-A.
Other names: short protein forms R1383H.
Identifiers: ClinVar variation 1284371 (VCV001284371.16), dbSNP rs752124839, ClinGen allele CA086539.